The following is an entry in ClinVar:

ClinVar aggregate classification (germline): Conflicting classifications of pathogenicity. Review status: criteria provided, conflicting classifications (1 of 4 stars). 17 submissions from 17 submitters: Uncertain significance (9); Likely benign (6). 2 of the submissions do not count toward it. Last evaluated 2026-05-01.

Conditions:
VPS13B-related disorder. Also called: VPS13B-related condition.
Inborn genetic diseases. Identifiers: MedGen C0950123, MeSH D030342.
Cohen syndrome (COH1). Also called: Cutis verticis gyrata, retinitis pigmentosa, and sensorineural deafness; PEPPER SYNDROME. Identifiers: Orphanet 193, MedGen C0265223, MONDO:0008999, OMIM 216550.

Allele frequency attached by ClinVar (database versions not stated): 1000 Genomes Project 0.00040; 1000 Genomes Project 30x 0.00062; TOPMed 0.00062; gnomAD 0.00070; gnomAD exomes 0.00082 and 0.00095; ExAC 0.00100; ESP Exome Variant Server 0.00123.
gnomAD v4.1: 1,467 of 1,613,936 alleles (0.091%); highest among the groups gnomAD compares: South Asian, 0.17%; 2 homozygotes.

Submissions (20):

CeGaT Center for Human Genetics Tuebingen
Classification: Likely benign. Last evaluated: 2026-05-01. Review status: criteria provided, single submitter. Criteria: CeGaT Center For Human Genetics Tuebingen Variant Classification Criteria Version 2. Collection method: clinical testing. Allele origin: germline. Affected: yes. Observed: 7 variant alleles.
Comment: VPS13B: PP2, BP4, BS2

Labcorp Genetics (formerly Invitae), Labcorp
Classification: Likely benign for Cohen syndrome. Last evaluated: 2026-02-01. Review status: criteria provided, single submitter. Criteria: Invitae Variant Classification Sherloc (09022015). Collection method: clinical testing. Allele origin: germline.

PreventionGenetics, part of Exact Sciences
Classification: Likely benign for VPS13B-related condition. Last evaluated: 2025-11-03. Review status: criteria provided, single submitter. Criteria: ACMG Guidelines, 2015. Collection method: clinical testing. Allele origin: germline.
Comment: This variant is classified as likely benign based on ACMG/AMP sequence variant interpretation guidelines (Richards et al. 2015 PMID: 25741868, with internal and published modifications).

Blueprint Genetics
Classification: Likely benign. Last evaluated: 2024-11-18. Review status: criteria provided, single submitter. Criteria: ACMG Guidelines, 2015. Collection method: clinical testing. Allele origin: germline.

New York Genome Center
Classification: Uncertain significance for Cohen syndrome. Last evaluated: 2023-01-13. Review status: criteria provided, single submitter. Criteria: NYGC Assertion Criteria 2020. Collection method: clinical testing. Allele origin: germline. Observed: 1 variant allele.

Ambry Genetics
Classification: Likely benign for Inborn genetic diseases. Last evaluated: 2021-11-03. Review status: criteria provided, single submitter. Criteria: Ambry Variant Classification Scheme 2023. Collection method: clinical testing. Allele origin: germline.

Genome-Nilou Lab
Classification: Uncertain significance for Cohen syndrome. Last evaluated: 2021-05-18. Review status: criteria provided, single submitter. Criteria: ACMG Guidelines, 2015. Collection method: clinical testing. Allele origin: germline. Affected: no.

Center for Genomics, Ann and Robert H. Lurie Children's Hospital of Chicago
Classification: Uncertain significance for Cohen syndrome. Last evaluated: 2021-03-30. Review status: criteria provided, single submitter. Criteria: ACMG Guidelines, 2015. Collection method: clinical testing. Allele origin: germline.
Comment: VPS13B NM_017890.4 exon39 p.Asn2164Ser (c.6491A>G): This variant has not been reported in the literature but is present in 0.1% (48/30532) of South Asian alleles in the Genome Aggregation Database. This variant is also present in ClinVar (Variation ID: 196985). This variant amino acid Serine (Ser) is present in 40 species including multiple mammals, and it is not well conserved among evolutionarily distant species; this suggests that this variant may not impact the protein. Additional computational prediction tools do not suggest an impact. In summary, data on this variant is insufficient for disease classification. Therefore, the clinical significance of this variant is uncertain.

GeneDx
Classification: Likely benign. Last evaluated: 2020-07-29. Review status: criteria provided, single submitter. Criteria: GeneDx Variant Classification Process June 2021. Collection method: clinical testing. Allele origin: germline. Affected: yes.

Athena Diagnostics
Classification: Uncertain significance. Last evaluated: 2018-05-15. Review status: criteria provided, single submitter. Criteria: Athena Diagnostics Criteria. Collection method: clinical testing. Allele origin: germline.

Illumina Laboratory Services, Illumina
Classification: Uncertain significance for Cohen syndrome. Last evaluated: 2018-03-02. Review status: criteria provided, single submitter. Criteria: ICSL Variant Classification Criteria 13 December 2019. Collection method: clinical testing. Allele origin: germline.

Fulgent Genetics
Classification: Uncertain significance for Cohen syndrome. Last evaluated: 2017-05-23. Review status: criteria provided, single submitter. Criteria: ACMG Guidelines, 2015. Collection method: clinical testing. Allele origin: unknown.

Genetic Services Laboratory, University of Chicago
Classification: Uncertain significance. Last evaluated: 2015-04-02. Review status: criteria provided, single submitter. Criteria: ACMG Guidelines, 2015. Collection method: clinical testing. Allele origin: germline.

Eurofins Ntd Llc (ga)
Classification: Uncertain significance. Last evaluated: 2015-03-11. Review status: criteria provided, single submitter. Criteria: EGL Classification Definitions 2015. Collection method: clinical testing. Allele origin: germline. Observed: 2 variant alleles, 2 heterozygotes.

Institute of Human Genetics, University Hospital of Duesseldorf
Classification: Uncertain significance for Cohen syndrome. Review status: criteria provided, single submitter. Criteria: ACMG Guidelines, 2015. Collection method: not provided. Allele origin: germline. Inheritance: Autosomal recessive inheritance. Affected: yes.

Natera, Inc.
Classification: Likely benign for Cohen syndrome. Last evaluated: 2020-01-02. Review status: no assertion criteria provided. Collection method: clinical testing. Allele origin: germline. Not counted in ClinVar's aggregate classification.

Dr. Peter K. Rogan Lab, Western University
No classification provided (evidence only). Condition: Lung cancer. Review status: no classification provided. Collection method: in vitro. Allele origin: not applicable. Functional consequence: retained intron. Not counted in ClinVar's aggregate classification.

Dr. Peter K. Rogan Lab, Western University
No classification provided (evidence only). Condition: Thyroid cancer, nonmedullary, 1. Review status: no classification provided. Collection method: in vitro. Allele origin: not applicable. Functional consequence: retained intron. Not counted in ClinVar's aggregate classification.

Dr. Peter K. Rogan Lab, Western University
No classification provided (evidence only). Condition: Ovarian serous cystadenocarcinoma. Review status: no classification provided. Collection method: in vitro. Allele origin: not applicable. Functional consequence: retained intron. Not counted in ClinVar's aggregate classification.

Dr.Nikuei Genetic Center
Classification: Benign for Cohen syndrome. Review status: no assertion criteria provided. Collection method: clinical testing. Allele origin: germline. Inheritance: Autosomal recessive inheritance. Not counted in ClinVar's aggregate classification.

NM_152564.5(VPS13B):c.6416A>G (p.Asn2139Ser)

Gene: VPS13B (vacuolar protein sorting 13 homolog B; plus strand). Cytogenetic location: 8q22.2.
Variant type: single nucleotide variant.
Coding change: c.6416A>G on transcript NM_152564.5 (MANE Select); coding-DNA position 6416, A replaced by G.
Protein change: p.Asn2139Ser; replaces asparagine 2139 with serine.
Molecular consequence: missense variant.
Genome position (GRCh38, 1-based): chr8:99,699,894, A>G. VCF-style: chr8-99699894-A-G. GRCh37 (hg19) VCF-style: chr8-100712122-A-G.
Other names: c.6491A>G, p.Asn2164Ser (NM_017890.5); c.6416A>G (NM_152564.4); short protein forms N2139S, N2164S.
Identifiers: ClinVar variation 196985 (VCV000196985.58), dbSNP rs142248228, ClinGen allele CA208047.